The following is an entry in ClinVar:

NM_001114753.3(ENG):c.1494del (p.Pro499fs)

Genes: ENG (endoglin; minus strand), LOC102723566 (uncharacterized LOC102723566; plus strand). Cytogenetic location: 9q34.11.
Variant type: Deletion.
Coding change: c.1494del on transcript NM_001114753.3 (MANE Select); coding-DNA position 1494, one base deleted (G; older notation c.1494delG).
Protein change: p.Pro499fs; shifts the reading frame from proline 499.
Molecular consequence: frameshift variant. On other transcripts: non-coding transcript variant (1).
Genome position (GRCh38, 1-based): chr9:127,818,312, C deleted on the plus strand (G on the coding strand, the reverse complement: ENG is on the minus strand); the first of 4 consecutive C bases (chr9:127,818,312-127,818,315); deleting any one gives the same sequence. VCF-style (leftmost placement, unchanged base first): chr9-127818311-GC-G. GRCh37 (hg19) VCF-style: chr9-130580590-GC-G.
Other names: c.1491delG, p.Pro499Leufs (NM_000118.4); c.948del, p.Pro317fs (NM_001278138.2); short protein forms P317fs, P499fs.
Identifiers: ClinVar variation 1773847 (VCV001773847.2), dbSNP rs2539059739, ClinGen allele CA2580079660.

ClinVar aggregate classification (germline): Pathogenic (1 of 4 stars; one submission).

Conditions:
Cardiovascular phenotype. Identifiers: MedGen CN230736.

Submission:

Ambry Genetics
Classification: Pathogenic for Cardiovascular phenotype. Last evaluated: 2014-12-03. Review status: criteria provided, single submitter. Criteria: Ambry Variant Classification Scheme 2023. Collection method: clinical testing. Allele origin: germline.
Comment: The c.1494delG pathogenic mutation, located in coding exon 12 of the ENG gene, results from a deletion of one nucleotide at nucleotide position 1494, causing a translational frameshift with a predicted alternate stop codon (p.P499Lfs*19). This variant was not reported in population based cohorts in the following databases: Database of Single Nucleotide Polymorphisms (dbSNP), NHLBI Exome Sequencing Project (ESP), and 1000 Genomes Project. In the ESP, this variant was not observed in 6503 samples (13006 alleles) with coverage at this position. Since frameshifts are typically deleterious in nature, this alteration is interpreted as a disease-causing mutation (ACMG Recommendations for Standards for Interpretation and Reporting of Sequence Variations. Revision 2007. Genet Med. 2008;10:294).